The following is an entry in ClinVar:

ClinVar aggregate classification (germline): Benign/Likely benign. Review status: criteria provided, multiple submitters, no conflicts (2 of 4 stars). 5 submissions from 4 submitters: Benign (2); Likely benign (3). Last evaluated 2021-05-12.

Conditions:
Familial hyperinsulinism. Also called: Congenital hyperinsulinism. Identifiers: Orphanet 276525, MedGen C3888018, MONDO:0017182. Disease mechanism: loss of function.
Maturity-onset diabetes of the young type 1. Also called: MILD JUVENILE DIABETES MELLITUS; MODY, type I; MODY type 1; Diabetes mellitus MODY type 1; MODY HNF4A related; HNF4A-Related Maturity-Onset Diabetes of the Young Type 1. Identifiers: Orphanet 552, MedGen C1852093, MONDO:0007452, OMIM 125850. Disease mechanism: loss of function.
Maturity-onset diabetes of the young (MODY). Also called: Maturity onset diabetes mellitus in young. Identifiers: Orphanet 552, MedGen C0342276, MONDO:0018911, HP:0004904.

Allele frequency attached by ClinVar (database versions not stated): gnomAD exomes 0.00121; 1000 Genomes Project 0.00619; 1000 Genomes Project 30x 0.00656; gnomAD 0.00702 and 0.00755; TOPMed 0.00804.
gnomAD v4.1: 1,065 of 157,390 alleles (0.68%); highest among the groups gnomAD compares: African/African-American, 2.2%; 12 homozygotes.

Submissions (5):

GeneDx
Classification: Likely benign. Last evaluated: 2021-05-12. Review status: criteria provided, single submitter. Criteria: GeneDx Variant Classification Process June 2021. Collection method: clinical testing. Allele origin: germline. Affected: yes.

Illumina Laboratory Services, Illumina
Classification: Benign for Maturity-onset diabetes of the young type 1. Last evaluated: 2018-01-13. Review status: criteria provided, single submitter. Criteria: ICSL Variant Classification Criteria 13 December 2019. Collection method: clinical testing. Allele origin: germline.
Comment: This variant was observed in the ICSL laboratory as part of a predisposition screen in an ostensibly healthy population. It had not been previously curated by ICSL or reported in the Human Gene Mutation Database (HGMD: prior to June 1st, 2018), and was therefore a candidate for classification through an automated scoring system. Utilizing variant allele frequency, disease prevalence and penetrance estimates, and inheritance mode, an automated score was calculated to assess if this variant is too frequent to cause the disease. Based on the score and internal cut-off values, a variant classified as benign is not then subjected to further curation. The score for this variant resulted in a classification of benign for this disease.

Illumina Laboratory Services, Illumina
Classification: Likely benign for Familial hyperinsulinism. Last evaluated: 2018-01-13. Review status: criteria provided, single submitter. Criteria: ICSL Variant Classification Criteria 13 December 2019. Collection method: clinical testing. Allele origin: germline.
Comment: This variant was observed in the ICSL laboratory as part of a predisposition screen in an ostensibly healthy population. It had not been previously curated by ICSL or reported in the Human Gene Mutation Database (HGMD: prior to June 1st, 2018), and was therefore a candidate for classification through an automated scoring system. Utilizing variant allele frequency, disease prevalence and penetrance estimates, and inheritance mode, an automated score was calculated to assess if this variant is too frequent to cause the disease. Based on the score and internal cut-off values, a variant classified as likely benign is not then subjected to further curation. The score for this variant resulted in a classification of likely benign for this disease.

Breakthrough Genomics
Classification: Likely benign. Review status: criteria provided, single submitter. Criteria: ACMG Guidelines, 2015. Collection method: not provided. Allele origin: germline. Inheritance: Autosomal dominant inheritance. Affected: yes.

Clinical Genomics, Uppaluri K&H Personalized Medicine Clinic
Classification: Benign for Maturity-onset diabetes of the young. Review status: criteria provided, single submitter. Criteria: K & H Uppaluri Personalized Medicine Clinic Variant Classification & Assertion Criteria_Updated V.1. Collection method: research. Allele origin: unknown. Inheritance: Autosomal dominant inheritance.
Comment: Potent mutations in HNF4A are associated with poor insulin secretion in response to hyperglycemia. Associated with MODY1. Patients initially respond well to sulfonylureas but eventually become insulin dependent. However, more evidence is required to ascertain the role of this particular variant rs111466682 in MODY, yet.

Literature cited by the submitters: DOI 10.1159/000334532 (cited by Clinical Genomics, Uppaluri K&H Personalized Medicine Clinic); PubMed 18268044 (cited by Clinical Genomics, Uppaluri K&H Personalized Medicine Clinic); PubMed 17563455 (cited by Clinical Genomics, Uppaluri K&H Personalized Medicine Clinic); PubMed 32583173 (cited by Clinical Genomics, Uppaluri K&H Personalized Medicine Clinic); PubMed 35052457 (cited by Clinical Genomics, Uppaluri K&H Personalized Medicine Clinic); PubMed 35118593 (cited by Clinical Genomics, Uppaluri K&H Personalized Medicine Clinic).

NM_175914.5(HNF4A):c.*521G>A

Gene: HNF4A (hepatocyte nuclear factor 4 alpha; plus strand). Cytogenetic location: 20q13.12.
Variant type: single nucleotide variant.
Coding change: c.*521G>A on transcript NM_175914.5 (MANE Select); 521 bases downstream of the stop codon, G replaced by A.
Molecular consequence: 3 prime UTR variant.
Genome position (GRCh38, 1-based): chr20:44,430,186, G>A. VCF-style: chr20-44430186-G-A. GRCh37 (hg19) VCF-style: chr20-43058826-G-A.
Other names: c.*521G>A (NM_000457.6, NM_001030003.3, NM_001258355.2 and 3 more transcripts).
Identifiers: ClinVar variation 338443 (VCV000338443.8), dbSNP rs111466682, ClinGen allele CA10649727.